The following is an entry in ClinVar:

NM_182977.3(NNT):c.1395C>A (p.Thr465=)

Gene: NNT (nicotinamide nucleotide transhydrogenase; plus strand). Cytogenetic location: 5p12.
Variant type: single nucleotide variant.
Coding change: c.1395C>A on transcript NM_182977.3 (MANE Select); coding-DNA position 1395, C replaced by A.
Protein change: p.Thr465=; no amino-acid change (threonine 465 retained).
Molecular consequence: synonymous variant.
Genome position (GRCh38, 1-based): chr5:43,645,461, C>A. VCF-style: chr5-43645461-C-A. GRCh37 (hg19) VCF-style: chr5-43645563-C-A.
Other names: c.1002C>A, p.Thr334= (NM_001331026.2); c.1395C>A, p.Thr465= (NM_012343.4).
Identifiers: ClinVar variation 4084086 (VCV004084086.8).

ClinVar aggregate classification (germline): Likely benign (1 of 4 stars; one submission).

Submission:

CeGaT Center for Human Genetics Tuebingen
Classification: Likely benign. Last evaluated: 2025-08-01. Review status: criteria provided, single submitter. Criteria: CeGaT Center For Human Genetics Tuebingen Variant Classification Criteria Version 2. Collection method: clinical testing. Allele origin: germline. Affected: yes. Observed: 1 variant allele.
Comment: NNT: PM2:Supporting, BP4, BP7